The following is an entry in ClinVar:

ClinVar aggregate classification (germline): Likely benign (1 of 4 stars; one submission).

Submission:

CeGaT Center for Human Genetics Tuebingen
Classification: Likely benign. Last evaluated: 2026-09-01. Review status: criteria provided, single submitter. Criteria: CeGaT Center For Human Genetics Tuebingen Variant Classification Criteria Version 2. Collection method: clinical testing. Allele origin: germline. Affected: yes. Observed: 1 variant allele.
Comment: RPL10: BS2

NC_000023.11:g.154398058C>G

Gene: RPL10 (ribosomal protein L10; plus strand). Cytogenetic location: Xq28.
Variant type: single nucleotide variant.
Genome position: GRCh38 VCF-style: chrX-154398058-C-G. GRCh37 (hg19) VCF-style: chrX-153626399-C-G.
Identifiers: ClinVar variation 5041132 (VCV005041132.1).